The following is an entry in ClinVar:

ClinVar aggregate classification (germline): Uncertain significance. Review status: criteria provided, multiple submitters, no conflicts (2 of 4 stars). 3 submissions from 3 submitters: Uncertain significance (3). Last evaluated 2026-09-18.

Conditions:
Inborn genetic diseases. Identifiers: MedGen C0950123, MeSH D030342.
PROM1-related disorder. Also called: PROM1-related disorders; PROM1-related condition.

Allele frequency attached by ClinVar (database versions not stated): gnomAD exomes 0.00001 and 0.00003; gnomAD 0.00008 and 0.00007; TOPMed 0.00011; 1000 Genomes Project 0.00020; ESP Exome Variant Server 0.00025; ExAC 0.00007; 1000 Genomes Project 30x 0.00016.

Submissions (3):

PreventionGenetics, part of Exact Sciences
Classification: Uncertain significance for PROM1-related condition. Last evaluated: 2026-09-18. Review status: criteria provided, single submitter. Criteria: ACMG Guidelines, 2015. Collection method: clinical testing. Allele origin: germline.
Comment: The PROM1 c.335G>A variant is predicted to result in the amino acid substitution p.Cys112Tyr. To our knowledge, this variant has not been reported in the literature. This variant is present in 0.034% of alleles in individuals of African descent in gnomAD. At this time, the clinical significance of this variant is uncertain due to the absence of conclusive functional and genetic evidence.

Ambry Genetics
Classification: Uncertain significance for Inborn genetic diseases. Last evaluated: 2026-08-18. Review status: criteria provided, single submitter. Criteria: Ambry Variant Classification Scheme 2023. Collection method: clinical testing. Allele origin: germline.

Labcorp Genetics (formerly Invitae), Labcorp
Classification: Uncertain significance. Last evaluated: 2026-01-18. Review status: criteria provided, single submitter. Criteria: Invitae Variant Classification Sherloc (09022015). Collection method: clinical testing. Allele origin: germline.
Comment: This sequence change replaces cysteine, which is neutral and slightly polar, with tyrosine, which is neutral and polar, at codon 112 of the PROM1 protein (p.Cys112Tyr). This variant is present in population databases (rs111804339, gnomAD 0.03%). This variant has not been reported in the literature in individuals affected with PROM1-related conditions. ClinVar contains an entry for this variant (Variation ID: 957786). Invitae Evidence Modeling of protein sequence and biophysical properties (such as structural, functional, and spatial information, amino acid conservation, physicochemical variation, residue mobility, and thermodynamic stability) indicates that this missense variant is expected to disrupt PROM1 protein function with a positive predictive value of 80%. In summary, the available evidence is currently insufficient to determine the role of this variant in disease. Therefore, it has been classified as a Variant of Uncertain Significance.

NM_006017.3(PROM1):c.335G>A (p.Cys112Tyr)

Gene: PROM1 (prominin 1; minus strand). Cytogenetic location: 4p15.32.
Variant type: single nucleotide variant.
Coding change: c.335G>A on transcript NM_006017.3 (MANE Select); coding-DNA position 335, G replaced by A.
Protein change: p.Cys112Tyr; replaces cysteine 112 with tyrosine.
Molecular consequence: missense variant.
Genome position (GRCh38, 1-based): chr4:16,033,478, C>T on the plus strand (G>A on the coding strand, the complement: PROM1 is on the minus strand). VCF-style: chr4-16033478-C-T. GRCh37 (hg19) VCF-style: chr4-16035101-C-T.
Other names: c.308G>A, p.Cys103Tyr (NM_001145847.2, NM_001145848.2, NM_001145851.2 and 4 more transcripts); c.335G>A, p.Cys112Tyr (NM_001145849.2, NM_001145850.2); short protein forms C112Y, C103Y.
Identifiers: ClinVar variation 957786 (VCV000957786.10), dbSNP rs111804339, ClinGen allele CA2867095.